The following is an entry in ClinVar:

ClinVar aggregate classification (germline): Uncertain significance (1 of 4 stars; one submission).

Conditions:
Gorlin syndrome. Also called: Basal cell nevus syndrome; Nevoid Basal Cell Carcinoma Syndrome. Identifiers: Orphanet 377, MedGen C0004779, MONDO:0007187.

Submission:

Labcorp Genetics (formerly Invitae), Labcorp
Classification: Uncertain significance for Gorlin syndrome. Last evaluated: 2024-09-12. Review status: criteria provided, single submitter. Criteria: Invitae Variant Classification Sherloc (09022015). Collection method: clinical testing. Allele origin: germline.
Comment: This sequence change replaces proline, which is neutral and non-polar, with alanine, which is neutral and non-polar, at codon 188 of the PTCH2 protein (p.Pro188Ala). This variant is not present in population databases (gnomAD no frequency). This variant has not been reported in the literature in individuals affected with PTCH2-related conditions. Invitae Evidence Modeling of protein sequence and biophysical properties (such as structural, functional, and spatial information, amino acid conservation, physicochemical variation, residue mobility, and thermodynamic stability) indicates that this missense variant is expected to disrupt PTCH2 protein function with a positive predictive value of 80%. In summary, the available evidence is currently insufficient to determine the role of this variant in disease. Therefore, it has been classified as a Variant of Uncertain Significance.

NM_003738.5(PTCH2):c.562C>G (p.Pro188Ala)

Gene: PTCH2 (patched 2; minus strand). Cytogenetic location: 1p34.1.
Variant type: single nucleotide variant.
Coding change: c.562C>G on transcript NM_003738.5 (MANE Select); coding-DNA position 562, C replaced by G.
Protein change: p.Pro188Ala; replaces proline 188 with alanine.
Molecular consequence: missense variant.
Genome position (GRCh38, 1-based): chr1:44,831,761, G>C on the plus strand (C>G on the coding strand, the complement: PTCH2 is on the minus strand). VCF-style: chr1-44831761-G-C. GRCh37 (hg19) VCF-style: chr1-45297433-G-C.
Other names: c.562C>G, p.Pro188Ala (NM_001166292.2); short protein forms P188A.
Identifiers: ClinVar variation 4717211 (VCV004717211.1).